The following is an entry in ClinVar:

NM_006623.4(PHGDH):c.496T>C (p.Ser166Pro)

Gene: PHGDH (phosphoglycerate dehydrogenase; plus strand). Cytogenetic location: 1p12.
Variant type: single nucleotide variant.
Coding change: c.496T>C on transcript NM_006623.4 (MANE Select); coding-DNA position 496, T replaced by C.
Protein change: p.Ser166Pro; replaces serine 166 with proline.
Molecular consequence: missense variant.
Genome position (GRCh38, 1-based): chr1:119,727,088, T>C. VCF-style: chr1-119727088-T-C. GRCh37 (hg19) VCF-style: chr1-120269711-T-C.
Other names: short protein forms S166P.
Identifiers: ClinVar variation 1003912 (VCV001003912.5), dbSNP rs149631480, ClinGen allele CA30250387.
Genomic context (GRCh38, chr1:119,727,088, plus strand): 5'-AAGACCCTGGGAATTCTTGGCCTGGGCAGGATTGGGAGAGAGGTAGCTACCCGGATGCAG[T>C]CCTTTGGGATGAAGGTAAGATGTTGCTGGAACCCTGTGATGTGGGACTTTCTGCAGCAAT-3'
Protein context (NP_006614.2, residues 156-176): IGREVATRMQ[Ser166Pro]FGMKTIGYDP

ClinVar aggregate classification (germline): Uncertain significance (1 of 4 stars; one submission).

Conditions:
PHGDH deficiency. Identifiers: Orphanet 79351, MedGen C1866174, MONDO:0011152, OMIM 601815.

Allele frequency attached by ClinVar (database versions not stated): gnomAD exomes below 0.00001 and 0.00001; ESP Exome Variant Server 0.00008.
gnomAD v4.1: 1 of 1,596,862 alleles (0.000063%); highest among the groups gnomAD compares: Non-Finnish European, 0.000086%; no homozygotes.

Submission:

Labcorp Genetics (formerly Invitae), Labcorp
Classification: Uncertain significance for PHGDH deficiency. Last evaluated: 2022-08-22. Review status: criteria provided, single submitter. Criteria: Invitae Variant Classification Sherloc (09022015). Collection method: clinical testing. Allele origin: germline.
Comment: This sequence change replaces serine, which is neutral and polar, with proline, which is neutral and non-polar, at codon 166 of the PHGDH protein (p.Ser166Pro). This variant is present in population databases (rs149631480, gnomAD 0.0009%). This variant has not been reported in the literature in individuals affected with PHGDH-related conditions. ClinVar contains an entry for this variant (Variation ID: 1003912). Algorithms developed to predict the effect of missense changes on protein structure and function are either unavailable or do not agree on the potential impact of this missense change (SIFT: "Deleterious"; PolyPhen-2: "Probably Damaging"; Align-GVGD: "Class C0"). In summary, the available evidence is currently insufficient to determine the role of this variant in disease. Therefore, it has been classified as a Variant of Uncertain Significance.